The following is an entry in ClinVar:

ClinVar aggregate classification (germline): Likely benign. Review status: criteria provided, multiple submitters, no conflicts (2 of 4 stars). 2 submissions from 2 submitters: Likely benign (2). Last evaluated 2025-02-03.

Conditions:
Koolen-de Vries syndrome (KDVS). Identifiers: Orphanet 96169, MedGen C1864871, MONDO:0012496, OMIM 610443.

Allele frequency attached by ClinVar (database versions not stated): gnomAD exomes below 0.00001; ExAC 0.00001.
gnomAD v4.1: 2 of 1,613,788 alleles (0.00012%); highest among the groups gnomAD compares: Admixed American, 0.0017%; no homozygotes.

Submissions (2):

Labcorp Genetics (formerly Invitae), Labcorp
Classification: Likely benign for Koolen-de Vries syndrome. Last evaluated: 2025-02-03. Review status: criteria provided, single submitter. Criteria: Invitae Variant Classification Sherloc (09022015). Collection method: clinical testing. Allele origin: germline.

GeneDx
Classification: Likely benign. Last evaluated: 2015-12-03. Review status: criteria provided, single submitter. Criteria: GeneDx Variant Classification (06012015). Collection method: clinical testing. Allele origin: germline. Affected: yes.
Comment: This variant is considered likely benign or benign based on one or more of the following criteria: it is a conservative change, it occurs at a poorly conserved position in the protein, it is predicted to be benign by multiple in silico algorithms, and/or has population frequency not consistent with disease.

NM_015443.4(KANSL1):c.2661G>A (p.Thr887=)

Gene: KANSL1 (KAT8 regulatory NSL complex subunit 1). Cytogenetic location: 17q21.31.
Variant type: single nucleotide variant.
Coding change: c.2661G>A on transcript NM_015443.4 (MANE Select); coding-DNA position 2661, G replaced by A.
Protein change: p.Thr887=; no amino-acid change (threonine 887 retained).
Molecular consequence: synonymous variant.
Genome position (GRCh38, 1-based): chr17:46,034,166, C>T on the plus strand (G>A on the coding strand, the complement: KANSL1 is on the minus strand). VCF-style: chr17-46034166-C-T. GRCh37 (hg19) VCF-style: chr17-44111532-C-T.
Other names: c.2658G>A, p.Thr886= (NM_001193465.2); c.2661G>A, p.Thr887= (NM_001193466.2, NM_001379198.1).
Identifiers: ClinVar variation 377993 (VCV000377993.5), dbSNP rs769682055, ClinGen allele CA8618506.